The following is an entry in ClinVar:

NC_000009.12:g.35657677G>A

Gene: RMRP (RNA component of mitochondrial RNA processing endoribonuclease; minus strand). Cytogenetic location: 9p13.3.
Variant type: single nucleotide variant.
Genome position: GRCh38 VCF-style: chr9-35657677-G-A. GRCh37 (hg19) VCF-style: chr9-35657674-G-A.
Identifiers: ClinVar variation 1047359 (VCV001047359.4), dbSNP rs770577795, ClinGen allele CA192745504.

ClinVar aggregate classification (germline): Uncertain significance. Review status: reviewed by expert panel (3 of 4 stars). 2 submissions from 2 submitters: Uncertain significance (1). 1 of the submissions does not count toward it. Last evaluated 2025-06-10.

Conditions:
Anauxetic dysplasia. Identifiers: Orphanet 93347, MedGen C1846796, MONDO:0011773.
Metaphyseal chondrodysplasia, McKusick type (CHH). Also called: Cartilage-hair hypoplasia; Cartilage-Hair Hypoplasia (CHH). Identifiers: Orphanet 175, MedGen C0220748, MONDO:0009595, OMIM 250250.

Allele frequency attached by ClinVar (database versions not stated): gnomAD 0.00006; TOPMed 0.00008; gnomAD exomes 0.00009.

Submissions (2):

ClinGen Severe Combined Immunodeficiency Variant Curation Expert Panel, ClinGen
Classification: Uncertain significance for Metaphyseal chondrodysplasia, McKusick type. Last evaluated: 2025-06-10. Review status: reviewed by expert panel. Criteria: ClinGen SCID ACMG Specifications RMRP V1.0.0. Collection method: curation. Allele origin: germline. Inheritance: Autosomal recessive inheritance.
Comment: This variant has been found in gnomAD v4.1.0 with an allele frequency of 0.0001355 in the European (non-Finnish) population and has a gnomAD v4.1.0 Grpmax filtering AF of 0.0001038. This frequency is above the threshold the SCID VCEP established to use PM2_Supporting (<0.0000447). The variant has not been described in patients with cartilage-hair hypoplasia or in trans with any other RMRP variant. In summary, this variant is classified as Variant of Uncertain Significance - insufficient evidence.

Labcorp Genetics (formerly Invitae), Labcorp
Classification: Uncertain significance for Anauxetic dysplasia. Last evaluated: 2026-01-19. Review status: criteria provided, single submitter. Criteria: Invitae Variant Classification Sherloc (09022015). Collection method: clinical testing. Allele origin: germline. Not counted in ClinVar's aggregate classification.
Comment: This variant occurs in the RMRP gene, which encodes an RNA molecule that does not result in a protein product. This variant is present in population databases (rs770577795, gnomAD 0.01%). This variant has not been reported in the literature in individuals affected with RMRP-related conditions. Experimental studies and prediction algorithms are not available or were not evaluated, and the functional significance of this variant is currently unknown. In summary, the available evidence is currently insufficient to determine the role of this variant in disease. Therefore, it has been classified as a Variant of Uncertain Significance.